The following is an entry in ClinVar:

NM_001127511.3(APC):c.-18C>A

Gene: APC (APC regulator of Wnt signaling pathway; plus strand). Cytogenetic location: 5q22.2.
Variant type: single nucleotide variant.
Coding change: c.-18C>A on transcript NM_001127511.3; 18 bases upstream of the start codon, C replaced by A.
Molecular consequence: 5 prime UTR variant. On other transcripts: non-coding transcript variant (1), intron variant (5).
Genome position (GRCh38, 1-based): chr5:112,707,700, C>A. VCF-style: chr5-112707700-C-A. GRCh37 (hg19) VCF-style: chr5-112043397-C-A.
Other names: c.-201C>A (NM_001354895.2, NM_001407447.1, NM_001407452.1 and 3 more transcripts); c.-18C>A (NM_001354897.2, NM_001354902.2, NM_001407446.1); c.-1236C>A (NM_001407470.1, NM_001407472.1); c.-19+51C>A (NM_001407448.1, NM_001407450.1, NM_001407457.1 and 1 more transcripts); c.-43+51C>A (NM_001407453.1).
Identifiers: ClinVar variation 575939 (VCV000575939.8), dbSNP rs1357561329, ClinGen allele CA891843298.

ClinVar aggregate classification (germline): Uncertain significance (1 of 4 stars; one submission).

Conditions:
Familial adenomatous polyposis 1 (FAP1). Also called: FAMILIAL ADENOMATOUS POLYPOSIS 1, ATTENUATED; POLYPOSIS, ADENOMATOUS INTESTINAL. Identifiers: MedGen C2713442, MONDO:0021056, OMIM 175100. Disease mechanism: loss of function.

Submission:

Labcorp Genetics (formerly Invitae), Labcorp
Classification: Uncertain significance for Familial adenomatous polyposis 1. Last evaluated: 2021-09-15. Review status: criteria provided, single submitter. Criteria: Invitae Variant Classification Sherloc (09022015). Collection method: clinical testing. Allele origin: germline.
Comment: In summary, the available evidence is currently insufficient to determine the role of this variant in disease. Therefore, it has been classified as a Variant of Uncertain Significance. The frequency data for this variant in the population databases is considered unreliable, as metrics indicate insufficient coverage at this position in the ExAC database. This variant has not been reported in the literature in individuals with APC-related conditions. ClinVar contains an entry for this variant (Variation ID: 575939). Experimental studies and prediction algorithms are not available or were not evaluated, and the functional significance of this variant is currently unknown. This variant occurs in a non-coding region of the APC gene. It does not change the encoded amino acid sequence of the APC protein.